The following is an entry in ClinVar:

NM_001845.6(COL4A1):c.4239C>T (p.Ala1413=)

Gene: COL4A1 (collagen type IV alpha 1 chain; minus strand). Cytogenetic location: 13q34.
Variant type: single nucleotide variant.
Coding change: c.4239C>T on transcript NM_001845.6 (MANE Select); coding-DNA position 4239, C replaced by T.
Protein change: p.Ala1413=; no amino-acid change (alanine 1413 retained).
Molecular consequence: synonymous variant.
Genome position (GRCh38, 1-based): chr13:110,163,473, G>A on the plus strand (C>T on the coding strand, the complement: COL4A1 is on the minus strand). VCF-style: chr13-110163473-G-A. GRCh37 (hg19) VCF-style: chr13-110815820-G-A.
Identifiers: ClinVar variation 2192275 (VCV002192275.13), dbSNP rs368879632, ClinGen allele CA7046988.

ClinVar aggregate classification (germline): Likely benign. Review status: criteria provided, multiple submitters, no conflicts (2 of 4 stars). 3 submissions from 3 submitters: Likely benign (3). Last evaluated 2025-09-10.

Allele frequency attached by ClinVar (database versions not stated): gnomAD exomes 0.00005; TOPMed 0.00005; gnomAD 0.00006; ExAC 0.00013; 1000 Genomes Project 30x 0.00016; 1000 Genomes Project 0.00020.
gnomAD v4.1: 78 of 1,614,056 alleles (0.0048%); highest among the groups gnomAD compares: East Asian, 0.047%; no homozygotes.

Submissions (3):

Labcorp Genetics (formerly Invitae), Labcorp
Classification: Likely benign. Last evaluated: 2025-09-10. Review status: criteria provided, single submitter. Criteria: Invitae Variant Classification Sherloc (09022015). Collection method: clinical testing. Allele origin: germline.

CeGaT Center for Human Genetics Tuebingen
Classification: Likely benign. Last evaluated: 2025-08-01. Review status: criteria provided, single submitter. Criteria: CeGaT Center For Human Genetics Tuebingen Variant Classification Criteria Version 2. Collection method: clinical testing. Allele origin: germline. Affected: yes. Observed: 1 variant allele.
Comment: COL4A1: BP4, BP7

Blueprint Genetics
Classification: Likely benign. Last evaluated: 2023-06-27. Review status: criteria provided, single submitter. Criteria: ACMG Guidelines, 2015. Collection method: clinical testing. Allele origin: germline.